The following is an entry in ClinVar:

NM_152383.5(DIS3L2):c.1712A>C (p.His571Pro)

Gene: DIS3L2 (DIS3 like 3'-5' exoribonuclease 2; plus strand). Cytogenetic location: 2q37.1.
Variant type: single nucleotide variant.
Coding change: c.1712A>C on transcript NM_152383.5 (MANE Select); coding-DNA position 1712, A replaced by C.
Protein change: p.His571Pro; replaces histidine 571 with proline.
Molecular consequence: missense variant. On other transcripts: non-coding transcript variant (2), intron variant (1).
Genome position (GRCh38, 1-based): chr2:232,300,092, A>C. VCF-style: chr2-232300092-A-C. GRCh37 (hg19) VCF-style: chr2-233164802-A-C.
Other names: c.1581+36730A>C (NM_001257281.2); short protein forms H571P.
Identifiers: ClinVar variation 1013878 (VCV001013878.6), dbSNP rs1438379709, ClinGen allele CA350978645.

ClinVar aggregate classification (germline): Uncertain significance (1 of 4 stars; one submission).

Conditions:
Perlman syndrome (PRLMNS). Identifiers: Orphanet 2849, MedGen C0796113, MONDO:0009965, OMIM 267000.

Allele frequency attached by ClinVar (database versions not stated): gnomAD 0.00001; TOPMed 0.00001.
gnomAD v4.1: 1 of 1,613,814 alleles (0.000062%); highest among the groups gnomAD compares: Non-Finnish European, 0.000085%; no homozygotes.

Submission:

Labcorp Genetics (formerly Invitae), Labcorp
Classification: Uncertain significance for Perlman syndrome. Last evaluated: 2024-04-30. Review status: criteria provided, single submitter. Criteria: Invitae Variant Classification Sherloc (09022015). Collection method: clinical testing. Allele origin: germline.
Comment: This sequence change replaces histidine, which is basic and polar, with proline, which is neutral and non-polar, at codon 571 of the DIS3L2 protein (p.His571Pro). This variant is not present in population databases (gnomAD no frequency). This variant has not been reported in the literature in individuals affected with DIS3L2-related conditions. ClinVar contains an entry for this variant (Variation ID: 1013878). Advanced modeling of protein sequence and biophysical properties (such as structural, functional, and spatial information, amino acid conservation, physicochemical variation, residue mobility, and thermodynamic stability) performed at Invitae indicates that this missense variant is not expected to disrupt DIS3L2 protein function with a negative predictive value of 80%. In summary, the available evidence is currently insufficient to determine the role of this variant in disease. Therefore, it has been classified as a Variant of Uncertain Significance.